The following is an entry in ClinVar:

ClinVar aggregate classification (germline): Uncertain significance (1 of 4 stars; one submission).

gnomAD v4.1: 23 of 1,551,418 alleles (0.0015%); highest among the groups gnomAD compares: Admixed American, 0.0059%; no homozygotes.

Submission:

GeneDx
Classification: Uncertain significance. Last evaluated: 2024-05-06. Review status: criteria provided, single submitter. Criteria: GeneDx Variant Classification Process June 2021. Collection method: clinical testing. Allele origin: germline. Affected: yes.
Comment: In silico analysis supports that this missense variant has a deleterious effect on protein structure/function; Has not been previously published as pathogenic or benign to our knowledge; Variants in candidate genes are classified as variants of uncertain significance in accordance with ACMG guidelines (PMID: 25741868)

NM_144666.3(DNHD1):c.5152G>A (p.Glu1718Lys)

Gene: DNHD1 (dynein heavy chain domain 1; plus strand). Cytogenetic location: 11p15.4.
Variant type: single nucleotide variant.
Coding change: c.5152G>A on transcript NM_144666.3 (MANE Select); coding-DNA position 5152, G replaced by A.
Protein change: p.Glu1718Lys; replaces glutamic acid 1718 with lysine.
Molecular consequence: missense variant.
Genome position (GRCh38, 1-based): chr11:6,546,091, G>A. VCF-style: chr11-6546091-G-A. GRCh37 (hg19) VCF-style: chr11-6567321-G-A.
Other names: short protein forms E1718K.
Identifiers: ClinVar variation 3375871 (VCV003375871.1).
Genomic context (GRCh38, chr11:6,546,091, plus strand): 5'-AACAGCCTGGCACAGGCCCTGGGCCGCCAGCTGGTGATGCTACCCTGCTCACCTCAGATA[G>A]AGGCTCAATGCCTGAGCAACTATCTGAATGGTGCCCTGCAGGGTGGTGCCTGGCTGCTGT-3'
Protein context (NP_653267.2, residues 1708-1728): LVMLPCSPQI[Glu1718Lys]AQCLSNYLNG